The following is an entry in ClinVar:

NM_005271.5(GLUD1):c.630A>G (p.Ala210=)

Gene: GLUD1 (glutamate dehydrogenase 1; minus strand). Cytogenetic location: 10q23.2.
Variant type: single nucleotide variant.
Coding change: c.630A>G on transcript NM_005271.5 (MANE Select); coding-DNA position 630, A replaced by G.
Protein change: p.Ala210=; no amino-acid change (alanine 210 retained).
Molecular consequence: synonymous variant.
Genome position (GRCh38, 1-based): chr10:87,074,567, T>C on the plus strand (A>G on the coding strand, the complement: GLUD1 is on the minus strand). VCF-style: chr10-87074567-T-C. GRCh37 (hg19) VCF-style: chr10-88834324-T-C.
Other names: c.231A>G, p.Ala77= (NM_001318900.1); c.129A>G, p.Ala43= (NM_001318901.1, NM_001318902.1, NM_001318904.2 and 2 more transcripts).
Identifiers: ClinVar variation 301397 (VCV000301397.31), dbSNP rs368203417, ClinGen allele CA5587630.

ClinVar aggregate classification (germline): Benign/Likely benign. Review status: criteria provided, multiple submitters, no conflicts (2 of 4 stars). 6 submissions from 6 submitters: Benign (4); Likely benign (2). Last evaluated 2025-10-08.

Conditions:
Hyperinsulinism-hyperammonemia syndrome (HHF6). Identifiers: Orphanet 35878, MedGen C1847555, MONDO:0011717, OMIM 606762.
Inborn genetic diseases. Identifiers: MedGen C0950123, MeSH D030342.

Allele frequency attached by ClinVar (database versions not stated): gnomAD 0.00001 and 0.00052; ESP Exome Variant Server 0.00008; TOPMed 0.00009; gnomAD exomes 0.00086 and 0.00174; ExAC 0.00199; 1000 Genomes Project 30x 0.00297; 1000 Genomes Project 0.00300.
gnomAD v4.1: 1,328 of 1,587,970 alleles (0.084%); highest among the groups gnomAD compares: South Asian, 1.4%; 20 homozygotes.

Submissions (6):

Labcorp Genetics (formerly Invitae), Labcorp
Classification: Benign for Hyperinsulinism-hyperammonemia syndrome. Last evaluated: 2025-10-08. Review status: criteria provided, single submitter. Criteria: Invitae Variant Classification Sherloc (09022015). Collection method: clinical testing. Allele origin: germline.

Women's Health and Genetics/Laboratory Corporation of America, LabCorp
Classification: Benign. Last evaluated: 2024-12-06. Review status: criteria provided, single submitter. Criteria: LabCorp Variant Classification Summary - May 2015. Collection method: clinical testing. Allele origin: germline.

CeGaT Center for Human Genetics Tuebingen
Classification: Benign. Last evaluated: 2024-12-01. Review status: criteria provided, single submitter. Criteria: CeGaT Center For Human Genetics Tuebingen Variant Classification Criteria Version 2. Collection method: clinical testing. Allele origin: germline. Affected: yes. Observed: 1 variant allele.
Comment: GLUD1: BP4, BP7, BS1, BS2

Ambry Genetics
Classification: Likely benign for Inborn genetic diseases. Last evaluated: 2023-11-13. Review status: criteria provided, single submitter. Criteria: Ambry Variant Classification Scheme 2023. Collection method: clinical testing. Allele origin: germline.

GeneDx
Classification: Benign. Last evaluated: 2019-07-22. Review status: criteria provided, single submitter. Criteria: GeneDx Variant Classification Process June 2021. Collection method: clinical testing. Allele origin: germline. Affected: yes.

Illumina Laboratory Services, Illumina
Classification: Likely benign for Hyperinsulinism-hyperammonemia syndrome. Last evaluated: 2018-01-13. Review status: criteria provided, single submitter. Criteria: ICSL Variant Classification Criteria 13 December 2019. Collection method: clinical testing. Allele origin: germline.
Comment: This variant was observed in the ICSL laboratory as part of a predisposition screen in an ostensibly healthy population. It had not been previously curated by ICSL or reported in the Human Gene Mutation Database (HGMD: prior to June 1st, 2018), and was therefore a candidate for classification through an automated scoring system. Utilizing variant allele frequency, disease prevalence and penetrance estimates, and inheritance mode, an automated score was calculated to assess if this variant is too frequent to cause the disease. Based on the score and internal cut-off values, a variant classified as likely benign is not then subjected to further curation. The score for this variant resulted in a classification of likely benign for this disease.